The following is an entry in ClinVar:

ClinVar aggregate classification (germline): Uncertain significance (1 of 4 stars; one submission).

Conditions:
Autosomal recessive ataxia, Beauce type. Also called: Spinocerebellar ataxia, autosomal recessive 8; ATAXIA, RECESSIVE, OF BEAUCE; SYNE1-Related Autosomal Recessive Cerebellar Ataxia; SYNE1 Deficiency. Identifiers: Orphanet 88644, MedGen C1853116, MONDO:0012549, OMIM 610743.

Submission:

Centre for Mendelian Genomics, University Medical Centre Ljubljana
Classification: Uncertain significance for Autosomal recessive ataxia, Beauce type. Last evaluated: 2020-01-08. Review status: criteria provided, single submitter. Criteria: ACMG Guidelines, 2015. Collection method: clinical testing. Allele origin: unknown. Affected: yes.
Comment: This variant was classified as: Uncertain significance. The available evidence on this variant's pathogenicity is insufficient or conflicting. The following ACMG criteria were applied in classifying this variant: PM2,BP4.

NM_182961.4(SYNE1):c.20863-5T>G

Gene: SYNE1 (spectrin repeat containing nuclear envelope protein 1; minus strand). Cytogenetic location: 6q25.2.
Variant type: single nucleotide variant.
Coding change: c.20863-5T>G on transcript NM_182961.4 (MANE Select); 5 bases into the intron before coding-DNA position 20863, T replaced by G.
Molecular consequence: intron variant.
Genome position (GRCh38, 1-based): chr6:152,231,572, A>C on the plus strand (T>G on the coding strand, the complement: SYNE1 is on the minus strand). VCF-style: chr6-152231572-A-C. GRCh37 (hg19) VCF-style: chr6-152552707-A-C.
Other names: c.20650-5T>G (NM_033071.5).
Identifiers: ClinVar variation 930616 (VCV000930616.3), dbSNP rs2082753195, ClinGen allele CA1139659870.